The following is an entry in ClinVar:

NM_000179.3(MSH6):c.762T>C (p.Ser254=)

Gene: MSH6 (mutS homolog 6; plus strand). Cytogenetic location: 2p16.3.
Variant type: single nucleotide variant.
Coding change: c.762T>C on transcript NM_000179.3 (MANE Select); coding-DNA position 762, T replaced by C.
Protein change: p.Ser254=; no amino-acid change (serine 254 retained).
Molecular consequence: synonymous variant. On other transcripts: 5 prime UTR variant (2).
Genome position (GRCh38, 1-based): chr2:47,798,745, T>C. VCF-style: chr2-47798745-T-C. GRCh37 (hg19) VCF-style: chr2-48025884-T-C.
Other names: c.372T>C, p.Ser124= (NM_001281492.2); c.-145T>C (NM_001281493.2, NM_001281494.2).
Identifiers: ClinVar variation 455343 (VCV000455343.20), dbSNP rs1553412191, ClinGen allele CA426120744.
Genomic context (GRCh38, chr2:47,798,745, plus strand): 5'-GACACAAGGATCTAGGCGAAGTAGCCGCCAAATAAAAAAACGAAGGGTCATATCAGATTC[T>C]GAGAGTGACATTGGTGGCTCTGATGTGGAATTTAAGCCAGACACTAAGGAGGAAGGAAGC-3'
Protein context (NP_000170.1, residues 244-264): QIKKRRVISD[Ser254=]ESDIGGSDVE

ClinVar aggregate classification (germline): Benign/Likely benign. Review status: criteria provided, multiple submitters, no conflicts (2 of 4 stars). 5 submissions from 5 submitters: Benign (1); Likely benign (4). Last evaluated 2024-12-20.

Conditions:
Hereditary nonpolyposis colorectal neoplasms. Identifiers: MedGen C0009405, MeSH D003123.
Hereditary cancer-predisposing syndrome. Also called: Hereditary Cancer Syndrome; Hereditary neoplastic syndrome; Neoplastic Syndromes, Hereditary; Tumor predisposition. Identifiers: Orphanet 140162, MedGen C0027672, MeSH D009386, MONDO:0015356.
Lynch syndrome. Identifiers: Orphanet 144, MedGen C4552100, MONDO:0005835. Disease mechanism: loss of function.
Lynch syndrome 5 (LYNCH5). Also called: Hereditary non-polyposis colorectal cancer, type 5; Colorectal cancer, hereditary nonpolyposis, type 5. Identifiers: Orphanet 144, MedGen C1833477, MONDO:0013710, OMIM 614350. Disease mechanism: loss of function.

Submissions (5):

Myriad Genetics, Inc.
Classification: Benign for Lynch syndrome 5. Last evaluated: 2024-12-20. Review status: criteria provided, single submitter. Criteria: Myriad Autosomal Dominant, Autosomal Recessive and X-Linked Classification Criteria (2023). Collection method: clinical testing. Allele origin: unknown.
Comment: This variant is considered benign. This variant is a silent/synonymous amino acid change and it is not expected to impact splicing.

All of Us Research Program, National Institutes of Health
Classification: Likely benign for Lynch syndrome. Last evaluated: 2024-09-16. Review status: criteria provided, single submitter. Criteria: ACMG Guidelines, 2015. Collection method: clinical testing. Allele origin: germline. Inheritance: Autosomal dominant inheritance. Observed: 1 variant allele, 1 heterozygote.
Comment: This study involves interpretation of variants in research participants for the purpose of population health screening. Participant phenotype was not available at the time of variant classification. Additional details can be found in publication PMID: 35346344, PMCID: PMC8962531

Labcorp Genetics (formerly Invitae), Labcorp
Classification: Likely benign for Hereditary nonpolyposis colorectal neoplasms. Last evaluated: 2022-05-21. Review status: criteria provided, single submitter. Criteria: Invitae Variant Classification Sherloc (09022015). Collection method: clinical testing. Allele origin: germline.

GeneDx
Classification: Likely benign. Last evaluated: 2021-04-30. Review status: criteria provided, single submitter. Criteria: GeneDx Variant Classification Process June 2021. Collection method: clinical testing. Allele origin: germline. Affected: yes.

Ambry Genetics
Classification: Likely benign for Hereditary cancer-predisposing syndrome. Last evaluated: 2018-04-09. Review status: criteria provided, single submitter. Criteria: Ambry Variant Classification Scheme 2023. Collection method: clinical testing. Allele origin: germline.